The following is an entry in ClinVar:

NC_000018.9:g.(?_48593383)_(48604842_?)del

Gene: SMAD4 (SMAD family member 4; plus strand). Cytogenetic location: 18q21.2.
Variant type: Deletion.
Identifiers: ClinVar variation 1070022 (VCV001070022.7).

ClinVar aggregate classification (germline): Pathogenic (1 of 4 stars; one submission).

Conditions:
Juvenile polyposis syndrome (JPS). Identifiers: Orphanet 2929, MedGen C0345893, MONDO:0017380, OMIM 174900.

Submission:

Labcorp Genetics (formerly Invitae), Labcorp
Classification: Pathogenic for Juvenile polyposis syndrome. Last evaluated: 2016-10-18. Review status: criteria provided, single submitter. Criteria: Invitae Variant Classification Sherloc (09022015). Collection method: clinical testing. Allele origin: germline.
Comment: For these reasons, this variant has been classified as Pathogenic. This deletion is predicted to remove amino acids 381-552 of the SMAD4 protein, constituting approximately 33% of the protein. This will result in the loss of most of the mad homology 2 region (MH2, residues 323-552) of the SMAD4 protein, which is expected to interfere with the homo-oligomer formation of SMAD4 and the hetero-oligomer formation between SMAD4 and SMAD2, resulting in disruption of TGFŒ≤ signaling (PMID: 9389648, 12821112), While this particular deletion has not been reported in the literature, loss-of-function variants in SMAD4 are known to be pathogenic (PMID: 22810475, 16152648). This variant is a gross deletion of the genomic region encompassing exons 10-12 of the SMAD4 gene. The 5' boundary is likely confined to intron 9. The 3' end of this event is unknown as it extends through the termination codon beyond the assayed region for this gene and may encompass additional genes. While this deletion is not anticipated to result in nonsense mediated decay, it is expected to create a truncated SMAD4 protein.

Literature cited by the submitters: PubMed 9389648; PubMed 12821112; PubMed 22810475; PubMed 16152648.